The following is an entry in ClinVar:

NM_000038.6(APC):c.7931_7933del (p.Ile2644_Tyr2645delinsAsn)

Gene: APC (APC regulator of Wnt signaling pathway; plus strand). Cytogenetic location: 5q22.2.
Variant type: Deletion.
Coding change: c.7931_7933del on transcript NM_000038.6 (MANE Select); coding-DNA positions 7931 to 7933, 3 bases deleted (TTT; older notation c.7931_7933delTTT).
Protein change: p.Ile2644_Tyr2645delinsAsn.
Molecular consequence: inframe indel.
Genome position (GRCh38, 1-based): chr5:112,843,525-112,843,527, TTT deleted. VCF-style (leftmost placement, unchanged base first): chr5-112843524-ATTT-A. GRCh37 (hg19) VCF-style: chr5-112179221-ATTT-A.
Other names: c.7931_7933del, p.Ile2644_Tyr2645delinsAsn (NM_001127510.3, NM_001354895.2); c.7877_7879del, p.Ile2626_Tyr2627delinsAsn (NM_001127511.3); c.7985_7987del, p.Ile2662_Tyr2663delinsAsn (NM_001354896.2); c.7961_7963del, p.Ile2654_Tyr2655delinsAsn (NM_001354897.2); c.7856_7858del, p.Ile2619_Tyr2620delinsAsn (NM_001354898.2); c.7847_7849del, p.Ile2616_Tyr2617delinsAsn (NM_001354899.2); c.7808_7810del, p.Ile2603_Tyr2604delinsAsn (NM_001354900.2); c.7754_7756del, p.Ile2585_Tyr2586delinsAsn (NM_001354901.2); and 16 more.
Identifiers: ClinVar variation 1761288 (VCV001761288.2), dbSNP rs2533830636, ClinGen allele CA2580072441.

ClinVar aggregate classification (germline): Uncertain significance (1 of 4 stars; one submission).

Conditions:
Hereditary cancer-predisposing syndrome. Also called: Neoplastic Syndromes, Hereditary; Tumor predisposition; Hereditary Cancer Syndrome; Hereditary neoplastic syndrome. Identifiers: Orphanet 140162, MedGen C0027672, MeSH D009386, MONDO:0015356.

Submission:

Ambry Genetics
Classification: Uncertain significance for Hereditary cancer-predisposing syndrome. Last evaluated: 2021-12-23. Review status: criteria provided, single submitter. Criteria: Ambry Variant Classification Scheme 2023. Collection method: clinical testing. Allele origin: germline.
Comment: The c.7931_7933delTTT variant (also known as p.I2644_Y2645delinsN) is located in coding exon 15 of the APC gene. This variant results from an in-frame TTT deletion at nucleotide positions 7931 to 7933. The isoleucine and tyrosine residues at codons 2644-2645 are replaced by asparagine. This amino acid region is well conserved in available vertebrate species. In addition, this alteration is predicted to be neutral by in silico analysis (Choi Y et al. PLoS ONE. 2012; 7(10):e46688). Since supporting evidence is limited at this time, the clinical significance of this alteration remains unclear.